The following is an entry in ClinVar:

ClinVar aggregate classification (germline): Uncertain significance. Review status: criteria provided, multiple submitters, no conflicts (2 of 4 stars). 3 submissions from 3 submitters: Uncertain significance (3). Last evaluated 2025-06-24.

Conditions:
Hereditary cancer-predisposing syndrome. Also called: Hereditary Cancer Syndrome; Neoplastic Syndromes, Hereditary; Hereditary neoplastic syndrome; Tumor predisposition. Identifiers: Orphanet 140162, MedGen C0027672, MeSH D009386, MONDO:0015356.
Cardiovascular phenotype. Identifiers: MedGen CN230736.
Neurofibromatosis, type 1 (NF1). Also called: Peripheral type neurofibromatosis; Neurofibromatosis, type I; NEUROFIBROMATOSIS, TYPE I, SOMATIC; VON RECKLINGHAUSEN DISEASE. Identifiers: Orphanet 636, MedGen C0027831, MONDO:0018975, OMIM 162200. Disease mechanism: loss of function.

Submissions (3):

Ambry Genetics
Classification: Uncertain significance for Cardiovascular phenotype; Hereditary cancer-predisposing syndrome. Last evaluated: 2025-06-24. Review status: criteria provided, single submitter. Criteria: Ambry Variant Classification Scheme 2023. Collection method: clinical testing. Allele origin: germline.
Comment: The c.922_923delGCinsTT variant (also known as p.A308F), located in coding exon 9 of the NF1 gene, results from an in-frame deletion of GC and insertion of TT at nucleotide positions 922 to 923. This results in the substitution of the alanine residue for a phenylalanine residue at codon 308, an amino acid with dissimilar properties. This amino acid position is highly conserved in available vertebrate species. In addition, the in silico prediction for this variant is inconclusive (Choi Y et al. PLoS ONE. 2012; 7(10):e46688). Since supporting evidence is limited at this time, the clinical significance of this alteration remains unclear.

Genome-Nilou Lab
Classification: Uncertain significance for Neurofibromatosis, type 1. Last evaluated: 2022-03-15. Review status: criteria provided, single submitter. Criteria: ACMG Guidelines, 2015. Collection method: clinical testing. Allele origin: germline. Affected: no.

Labcorp Genetics (formerly Invitae), Labcorp
Classification: Uncertain significance for Neurofibromatosis, type 1. Last evaluated: 2021-02-14. Review status: criteria provided, single submitter. Criteria: Invitae Variant Classification Sherloc (09022015). Collection method: clinical testing. Allele origin: germline.
Comment: Algorithms developed to predict the effect of missense changes on protein structure and function are either unavailable or do not agree on the potential impact of this missense change (SIFT: "Not Available"; PolyPhen-2: "Possibly Damaging"; Align-GVGD: "Not Available"). In summary, the available evidence is currently insufficient to determine the role of this variant in disease. Therefore, it has been classified as a Variant of Uncertain Significance. This variant has not been reported in the literature in individuals with NF1-related conditions. ClinVar contains an entry for this variant (Variation ID: 823104). The frequency data for this variant in the population databases is not available, as this variant may be reported as separate entries in the ExAC database. This sequence change replaces alanine with phenylalanine at codon 308 of the NF1 protein (p.Ala308Phe). The alanine residue is moderately conserved and there is a moderate physicochemical difference between alanine and phenylalanine.

NM_001042492.3(NF1):c.922_923delinsTT (p.Ala308Phe)

Gene: NF1 (neurofibromin 1; plus strand). Cytogenetic location: 17q11.2.
Variant type: Indel.
Coding change: c.922_923delinsTT on transcript NM_001042492.3 (MANE Select); coding-DNA positions 922 to 923, GC replaced by TT.
Protein change: p.Ala308Phe; replaces alanine 308 with phenylalanine.
Molecular consequence: missense variant.
Genome position (GRCh38, 1-based): chr17:31,200,455-31,200,456, GC replaced by TT. VCF-style: chr17-31200455-GC-TT. GRCh37 (hg19) VCF-style: chr17-29527473-GC-TT.
Other names: c.922_923delGCinsTT, p.Ala308Phe (NM_000267.4); c.922_923delinsTT, p.Ala308Phe (NM_001128147.3); c.922_923delGCinsTT (NM_000267.3); short protein forms A308F.
Identifiers: ClinVar variation 823104 (VCV000823104.11), dbSNP rs1597680797, ClinGen allele CA915949660.